The following is an entry in ClinVar:

ClinVar aggregate classification (germline): Uncertain significance (1 of 4 stars; one submission).

Conditions:
Inborn genetic diseases. Identifiers: MedGen C0950123, MeSH D030342.

Submission:

Ambry Genetics
Classification: Uncertain significance for Inborn genetic diseases. Last evaluated: 2026-05-04. Review status: criteria provided, single submitter. Criteria: Ambry Variant Classification Scheme 2023. Collection method: clinical testing. Allele origin: germline.
Comment: The p.M852I variant (also known as c.2556G>T), located in coding exon 21 of the DNMT3A gene, results from a G to T substitution at nucleotide position 2556. The methionine at codon 852 is replaced by isoleucine, an amino acid with highly similar properties. This amino acid position is conserved. In addition, this alteration is predicted to be deleterious by in silico analysis. Based on the available evidence, the clinical significance of this variant remains unclear.

NM_022552.5(DNMT3A):c.2556G>T (p.Met852Ile)

Gene: DNMT3A (DNA methyltransferase 3 alpha; minus strand). Cytogenetic location: 2p23.3.
Variant type: single nucleotide variant.
Coding change: c.2556G>T on transcript NM_022552.5 (MANE Select); coding-DNA position 2556, G replaced by T.
Protein change: p.Met852Ile; replaces methionine 852 with isoleucine.
Molecular consequence: missense variant. On other transcripts: non-coding transcript variant (1).
Genome position (GRCh38, 1-based): chr2:25,235,748, C>A on the plus strand (G>T on the coding strand, the complement: DNMT3A is on the minus strand). VCF-style: chr2-25235748-C-A. GRCh37 (hg19) VCF-style: chr2-25458617-C-A.
Other names: c.2100G>T, p.Met700Ile (NM_001320893.1); c.1887G>T, p.Met629Ile (NM_001375819.1); c.1989G>T, p.Met663Ile (NM_153759.3); c.2556G>T, p.Met852Ile (NM_175629.2); short protein forms M629I, M663I, M700I, M852I.
Identifiers: ClinVar variation 4870024 (VCV004870024.1).
Genomic context (GRCh38, chr2:25,235,748, plus strand): 5'-GCCAGCACAACCCGGGTACCTTTCCATTTCAGTGCACCATAAGATGTCCTCTTTCTCATT[C>A]ATGAAGACAGGAAAATGCTGGTCTTTGCCCTGCTTTATGGAGTTTGACCTCGTAGTAATG-3'
Protein context (NP_072046.2, residues 842-862): QGKDQHFPVF[Met852Ile]NEKEDILWCT